The following is an entry in ClinVar:

NM_005732.4(RAD50):c.2234del (p.Lys745fs)

Gene: RAD50 (RAD50 double strand break repair protein; plus strand). Cytogenetic location: 5q31.1.
Variant type: Deletion.
Coding change: c.2234del on transcript NM_005732.4 (MANE Select); coding-DNA position 2234, one base deleted (A; older notation c.2234delA).
Protein change: p.Lys745fs; shifts the reading frame from lysine 745.
Molecular consequence: frameshift variant.
Genome position (GRCh38, 1-based): chr5:132,603,326, A deleted; the last of 2 consecutive A bases (chr5:132,603,325-132,603,326); deleting either gives the same sequence. VCF-style (leftmost placement, unchanged base first): chr5-132603324-GA-G. GRCh37 (hg19) VCF-style: chr5-131939016-GA-G.
Other names: short protein forms K745fs.
Identifiers: ClinVar variation 1455615 (VCV001455615.6), dbSNP rs2149846873, ClinGen allele CA2573138940.
Genomic context (GRCh38, chr5:132,603,324, plus strand): 5'-TCAGATACTTTATTTTTAATTGTGTTTTCTATTTAGGCAAAGCATAATTGATTTGAAGGA[GA>G]AGGAAATACCAGAATTAAGAAACAAACTGCAGAATGTCAATAGAGACATACAGCGCCTAA-3'

ClinVar aggregate classification (germline): Pathogenic (1 of 4 stars; one submission).

Conditions:
Hereditary cancer-predisposing syndrome. Also called: Tumor predisposition; Neoplastic Syndromes, Hereditary; Hereditary Cancer Syndrome; Hereditary neoplastic syndrome. Identifiers: Orphanet 140162, MedGen C0027672, MeSH D009386, MONDO:0015356.

Submission:

Labcorp Genetics (formerly Invitae), Labcorp
Classification: Pathogenic for Hereditary cancer-predisposing syndrome. Last evaluated: 2022-08-09. Review status: criteria provided, single submitter. Criteria: Invitae Variant Classification Sherloc (09022015). Collection method: clinical testing. Allele origin: germline.
Comment: For these reasons, this variant has been classified as Pathogenic. ClinVar contains an entry for this variant (Variation ID: 1455615). This variant has not been reported in the literature in individuals affected with RAD50-related conditions. This variant is not present in population databases (gnomAD no frequency). This sequence change creates a premature translational stop signal (p.Lys745Argfs*6) in the RAD50 gene. It is expected to result in an absent or disrupted protein product. Loss-of-function variants in RAD50 are known to be pathogenic (PMID: 19409520).

Literature cited by the submitters: PubMed 19409520.